The following is an entry in ClinVar:

NM_000043.6(FAS):c.700A>G (p.Thr234Ala)

Gene: FAS (Fas cell surface death receptor; plus strand). Cytogenetic location: 10q23.31.
Variant type: single nucleotide variant.
Coding change: c.700A>G on transcript NM_000043.6 (MANE Select); coding-DNA position 700, A replaced by G.
Protein change: p.Thr234Ala; replaces threonine 234 with alanine.
Molecular consequence: missense variant. On other transcripts: 3 prime UTR variant (2), non-coding transcript variant (7).
Genome position (GRCh38, 1-based): chr10:89,014,142, A>G. VCF-style: chr10-89014142-A-G. GRCh37 (hg19) VCF-style: chr10-90773899-A-G.
Other names: c.*23A>G (NM_001320619.2); c.637A>G, p.Thr213Ala (NM_152871.4); c.*12A>G (NM_152872.4); short protein forms T213A, T234A.
Identifiers: ClinVar variation 1010289 (VCV001010289.8), dbSNP rs962274229, ClinGen allele CA211334894.

ClinVar aggregate classification (germline): Uncertain significance (1 of 4 stars; one submission).

Conditions:
Autoimmune lymphoproliferative syndrome type 1. Also called: AUTOIMMUNE LYMPHOPROLIFERATIVE SYNDROME, TYPE I, AUTOSOMAL DOMINANT. Identifiers: Orphanet 3261, MedGen C2717884, MONDO:0011158, OMIM 601859.

Allele frequency attached by ClinVar (database versions not stated): TOPMed 0.00001; gnomAD exomes below 0.00001; gnomAD 0.00001.
gnomAD v4.1: 6 of 1,613,640 alleles (0.00037%); highest among the groups gnomAD compares: Non-Finnish European, 0.00051%; no homozygotes.

Submission:

Labcorp Genetics (formerly Invitae), Labcorp
Classification: Uncertain significance for Autoimmune lymphoproliferative syndrome. Last evaluated: 2023-02-14. Review status: criteria provided, single submitter. Criteria: Invitae Variant Classification Sherloc (09022015). Collection method: clinical testing. Allele origin: germline.
Comment: This sequence change replaces threonine, which is neutral and polar, with alanine, which is neutral and non-polar, at codon 234 of the FAS protein (p.Thr234Ala). This variant is not present in population databases (gnomAD no frequency). This variant has not been reported in the literature in individuals affected with FAS-related conditions. ClinVar contains an entry for this variant (Variation ID: 1010289). Advanced modeling of protein sequence and biophysical properties (such as structural, functional, and spatial information, amino acid conservation, physicochemical variation, residue mobility, and thermodynamic stability) has been performed at Invitae for this missense variant, however the output from this modeling did not meet the statistical confidence thresholds required to predict the impact of this variant on FAS protein function. In summary, the available evidence is currently insufficient to determine the role of this variant in disease. Therefore, it has been classified as a Variant of Uncertain Significance.